The following is an entry in ClinVar:

ClinVar aggregate classification (germline): Uncertain significance. Review status: criteria provided, multiple submitters, no conflicts (2 of 4 stars). 4 submissions from 4 submitters: Uncertain significance (4). Last evaluated 2024-03-04.

Conditions:
Congenital disorder of glycosylation, type Ii. Also called: CDG Ii; ALG2-congenital disorder of glycosylation; ALG2-CDG. Identifiers: Orphanet 79326, MedGen C1842836, MONDO:0011933, OMIM 607906.
Congenital myasthenic syndrome 14. Also called: Myasthenic syndrome, congenital, 14, with tubular aggregates. Identifiers: Orphanet 353327, Orphanet 590, MedGen C4015597, MONDO:0014543, OMIM 616228.
Inborn genetic diseases. Identifiers: MedGen C0950123, MeSH D030342.

Allele frequency attached by ClinVar (database versions not stated): gnomAD exomes 0.00002 and 0.00003; TOPMed 0.00024; gnomAD 0.00010.

Submissions (4):

GeneDx
Classification: Uncertain significance. Last evaluated: 2024-03-04. Review status: criteria provided, single submitter. Criteria: GeneDx Variant Classification Process June 2021. Collection method: clinical testing. Allele origin: germline. Affected: yes.
Comment: In silico analysis supports that this missense variant does not alter protein structure/function; Has not been previously published as pathogenic or benign to our knowledge

Ambry Genetics
Classification: Uncertain significance for Inborn genetic diseases. Last evaluated: 2023-12-15. Review status: criteria provided, single submitter. Criteria: Ambry Variant Classification Scheme 2023. Collection method: clinical testing. Allele origin: germline.

Labcorp Genetics (formerly Invitae), Labcorp
Classification: Uncertain significance for Congenital disorder of glycosylation, type Ii; Congenital myasthenic syndrome 14. Last evaluated: 2022-08-09. Review status: criteria provided, single submitter. Criteria: Invitae Variant Classification Sherloc (09022015). Collection method: clinical testing. Allele origin: germline.
Comment: This sequence change replaces glycine, which is neutral and non-polar, with arginine, which is basic and polar, at codon 78 of the ALG2 protein (p.Gly78Arg). This variant is present in population databases (no rsID available, gnomAD 0.04%). This variant has not been reported in the literature in individuals affected with ALG2-related conditions. ClinVar contains an entry for this variant (Variation ID: 657644). Algorithms developed to predict the effect of missense changes on protein structure and function (SIFT, PolyPhen-2, Align-GVGD) all suggest that this variant is likely to be tolerated. In summary, the available evidence is currently insufficient to determine the role of this variant in disease. Therefore, it has been classified as a Variant of Uncertain Significance.

Laboratorio de Genetica e Diagnostico Molecular, Hospital Israelita Albert Einstein
Classification: Uncertain significance. Last evaluated: 2019-05-08. Review status: criteria provided, single submitter. Criteria: ACMG Guidelines, 2015. Collection method: clinical testing. Allele origin: germline. Affected: yes.
Comment: ACMG classification criteria: PM2, BP4

NM_033087.4(ALG2):c.232G>C (p.Gly78Arg)

Gene: ALG2 (ALG2 alpha-1,3/1,6-mannosyltransferase; minus strand). Cytogenetic location: 9q22.33.
Variant type: single nucleotide variant.
Coding change: c.232G>C on transcript NM_033087.4 (MANE Select); coding-DNA position 232, G replaced by C.
Protein change: p.Gly78Arg; replaces glycine 78 with arginine.
Molecular consequence: missense variant. On other transcripts: non-coding transcript variant (1).
Genome position (GRCh38, 1-based): chr9:99,221,663, C>G on the plus strand (G>C on the coding strand, the complement: ALG2 is on the minus strand). VCF-style: chr9-99221663-C-G. GRCh37 (hg19) VCF-style: chr9-101983945-C-G.
Other names: short protein forms G78R.
Identifiers: ClinVar variation 657644 (VCV000657644.9), dbSNP rs1054683823, ClinGen allele CA196856004.
Genomic context (GRCh38, chr9:99,221,663, plus strand): 5'-CCAGGAAAACCATGCGCACGTAGGCGCAGACGGCGGCGCCGCGGCCGCCCCAGCCCAGGC[C>G]TCGCGGCAGCCAGTCCCCGGCACAGCGCACCGGTAGCTCGCGGCTCTCGGCGAAACAGTG-3'
Protein context (NP_149078.1, residues 68-88): VRCAGDWLPR[Gly78Arg]LGWGGRGAAV